The following is an entry in ClinVar:

ClinVar aggregate classification (germline): Pathogenic (1 of 4 stars; one submission).

Conditions:
Primary ciliary dyskinesia. Also called: Ciliary dyskinesia. Identifiers: Orphanet 244, MedGen C0008780, MONDO:0016575, HP:0012265.

Submission:

Labcorp Genetics (formerly Invitae), Labcorp
Classification: Pathogenic for Primary ciliary dyskinesia. Last evaluated: 2026-01-13. Review status: criteria provided, single submitter. Criteria: Invitae Variant Classification Sherloc (09022015). Collection method: clinical testing. Allele origin: germline.
Comment: This sequence change creates a premature translational stop signal (p.Tyr2612Ilefs*41) in the DNAH8 gene. It is expected to result in an absent or disrupted protein product. Loss-of-function variants in DNAH8 are known to be pathogenic (PMID: 24307375, 32619401, 32681648). This variant is present in population databases (no rsID available, gnomAD 0.0009%). This variant has not been reported in the literature in individuals affected with DNAH8-related conditions. For these reasons, this variant has been classified as Pathogenic.

Literature cited by the submitters: PubMed 24307375; PubMed 32619401; PubMed 32681648.

NM_001206927.2(DNAH8):c.7834_7852del (p.Tyr2612fs)

Gene: DNAH8 (dynein axonemal heavy chain 8; plus strand). Cytogenetic location: 6p21.2.
Variant type: Deletion.
Coding change: c.7834_7852del on transcript NM_001206927.2 (MANE Select); coding-DNA positions 7834 to 7852, 19 bases deleted (TATGAGTTTTATGTTACTG).
Protein change: p.Tyr2612fs; shifts the reading frame from tyrosine 2612.
Molecular consequence: frameshift variant.
Genome position (GRCh38, 1-based): chr6:38,875,804-38,875,822, TATGAGTTTTATGTTACTG deleted; deleting any 19 consecutive bases within chr6:38,875,802-38,875,822 gives the same sequence; the c. name uses the placement nearest the transcript's 3' end. VCF-style (leftmost placement, unchanged base first): chr6-38875801-ATGTATGAGTTTTATGTTAC-A. GRCh37 (hg19) VCF-style: chr6-38843577-ATGTATGAGTTTTATGTTAC-A.
Other names: c.7183_7201del, p.Tyr2395fs (NM_001371.4); short protein forms Y2395fs, Y2612fs.
Identifiers: ClinVar variation 4799416 (VCV004799416.1).